The following is an entry in ClinVar:

NM_002474.3(MYH11):c.3692A>G (p.Lys1231Arg)

Gene: MYH11 (myosin heavy chain 11; minus strand). Cytogenetic location: 16p13.11.
Variant type: single nucleotide variant.
Coding change: c.3692A>G on transcript NM_002474.3 (MANE Select); coding-DNA position 3692, A replaced by G.
Protein change: p.Lys1231Arg; replaces lysine 1231 with arginine.
Molecular consequence: missense variant.
Genome position (GRCh38, 1-based): chr16:15,727,014, T>C on the plus strand (A>G on the coding strand, the complement: MYH11 is on the minus strand). VCF-style: chr16-15727014-T-C. GRCh37 (hg19) VCF-style: chr16-15820871-T-C.
Other names: c.3713A>G, p.Lys1238Arg (NM_001040113.2, NM_001040114.2); c.3692A>G, p.Lys1231Arg (NM_022844.3); short protein forms K1231R, K1238R.
Identifiers: ClinVar variation 4745877 (VCV004745877.1).

ClinVar aggregate classification (germline): Uncertain significance (1 of 4 stars; one submission).

Conditions:
Aortic aneurysm, familial thoracic 4 (AAT4). Also called: AORTIC ANEURYSM/AORTIC DISSECTION AND PATENT DUCTUS ARTERIOSUS. Identifiers: MedGen C1851504, MONDO:0007568, OMIM 132900.

Submission:

Labcorp Genetics (formerly Invitae), Labcorp
Classification: Uncertain significance for Aortic aneurysm, familial thoracic 4. Last evaluated: 2025-08-17. Review status: criteria provided, single submitter. Criteria: Invitae Variant Classification Sherloc (09022015). Collection method: clinical testing. Allele origin: germline.
Comment: This sequence change replaces lysine, which is basic and polar, with arginine, which is basic and polar, at codon 1238 of the MYH11 protein (p.Lys1238Arg). This variant is not present in population databases (gnomAD no frequency). This variant has not been reported in the literature in individuals affected with MYH11-related conditions. Invitae Evidence Modeling of protein sequence and biophysical properties (such as structural, functional, and spatial information, amino acid conservation, physicochemical variation, residue mobility, and thermodynamic stability) indicates that this missense variant is not expected to disrupt MYH11 protein function with a negative predictive value of 95%. In summary, the available evidence is currently insufficient to determine the role of this variant in disease. Therefore, it has been classified as a Variant of Uncertain Significance.